The following is an entry in ClinVar:

NM_006828.4(ASCC3):c.5940G>A (p.Pro1980=)

Gene: ASCC3 (activating signal cointegrator 1 complex subunit 3; minus strand). Cytogenetic location: 6q16.3.
Variant type: single nucleotide variant.
Coding change: c.5940G>A on transcript NM_006828.4 (MANE Select); coding-DNA position 5940, G replaced by A.
Protein change: p.Pro1980=; no amino-acid change (proline 1980 retained).
Molecular consequence: synonymous variant.
Genome position (GRCh38, 1-based): chr6:100,516,315, C>T on the plus strand (G>A on the coding strand, the complement: ASCC3 is on the minus strand). VCF-style: chr6-100516315-C-T. GRCh37 (hg19) VCF-style: chr6-100964191-C-T.
Identifiers: ClinVar variation 4533974 (VCV004533974.7).

ClinVar aggregate classification (germline): Likely benign. Review status: criteria provided, multiple submitters, no conflicts (2 of 4 stars). 2 submissions from 2 submitters: Likely benign (2). Last evaluated 2025-11-01.

gnomAD v4.1: 991 of 1,613,644 alleles (0.061%); highest among the groups gnomAD compares: African/African-American, 1.2%; 6 homozygotes.

Submissions (2):

CeGaT Center for Human Genetics Tuebingen
Classification: Likely benign. Last evaluated: 2025-11-01. Review status: criteria provided, single submitter. Criteria: CeGaT Center For Human Genetics Tuebingen Variant Classification Criteria Version 2. Collection method: clinical testing. Allele origin: germline. Affected: yes. Observed: 1 variant allele.
Comment: ASCC3: BP4, BP7, BS1

Blueprint Genetics
Classification: Likely benign. Last evaluated: 2024-06-19. Review status: criteria provided, single submitter. Criteria: ACMG Guidelines, 2015. Collection method: clinical testing. Allele origin: germline.